The following is an entry in ClinVar:

ClinVar aggregate classification (germline): Pathogenic. Review status: criteria provided, multiple submitters, no conflicts (2 of 4 stars). 2 submissions from 2 submitters: Pathogenic (2). Last evaluated 2019-02-12.

Conditions:
Granulomatous disease, chronic, X-linked. Also called: CYTOCHROME b-NEGATIVE GRANULOMATOUS DISEASE, CHRONIC, X-LINKED; GRANULOMATOUS DISEASE, CHRONIC, X-LINKED, SOMATIC MOSAIC. Identifiers: Orphanet 379, MedGen C1844376, MONDO:0010600, OMIM 306400.

Submissions (2):

Women's Health and Genetics/Laboratory Corporation of America, LabCorp
Classification: Pathogenic for Chronic granulomatous disease, X-linked. Last evaluated: 2019-02-12. Review status: criteria provided, single submitter. Criteria: LabCorp Variant Classification Summary - May 2015. Collection method: clinical testing. Allele origin: germline.
Comment: Variant summary: CYBB c.674+4_674+7delAGTG causes the deletion of 4 nucleotides located close to a canonical splice site and therefore could affect mRNA splicing, leading to a significantly altered protein sequence. Several computational tools predict a significant impact on normal splicing: four predict the variant abolishes a 5' splicing donor site. The variant was absent in 177732 control chromosomes (gnomAD). c.674+4_674+7delAGTG has been reported in the literature in multiple individuals affected with X-linked Chronic Granulomatous Disease (Roos 1994, Rae 1998, Roos 2010). These data indicate that the variant is very likely to be associated with disease. Publications also reported experimental evidence evaluating an impact on protein function, and demonstrated no detectable levels of phagocyte oxidase activity in patient samples (Roos 1994, Rae 1998). A ClinVar submission from a clinical diagnostic laboratory (evaluation after 2014) cites the variant as pathogenic. Based on the evidence outlined above, the variant was classified as pathogenic.

GeneDx
Classification: Pathogenic. Last evaluated: 2015-03-12. Review status: criteria provided, single submitter. Criteria: GeneDx Variant Classification (06012015). Collection method: clinical testing. Allele origin: germline. Affected: yes.
Comment: The c.674+4_674+7delAGTG pathogenic variant has been reported previously in association with chronic granulomatous disease (CGD) (Roos et al., 1994). It was not observed in approximately 6,500 individuals of European and African American ancestry in the NHLBI Exome Sequencing Project, indicating it is not a common benign variant in these populations. Several in-silico splice prediction models predict that the c.674+4_674+7delAGTG variant destroys the natural splice donor site in intron 6.

Literature cited by the submitters: PubMed 11162142 (cited by Women's Health and Genetics/Laboratory Corporation of America, LabCorp); PubMed 9585602 (cited by Women's Health and Genetics/Laboratory Corporation of America, LabCorp); PubMed 8070813 (cited by Women's Health and Genetics/Laboratory Corporation of America, LabCorp); PubMed 8961628 (cited by Women's Health and Genetics/Laboratory Corporation of America, LabCorp); PubMed 20729109 (cited by Women's Health and Genetics/Laboratory Corporation of America, LabCorp).

NM_000397.4(CYBB):c.674+4_674+7del

Gene: CYBB (cytochrome b-245 beta chain; plus strand). Cytogenetic location: Xp21.1.
Variant type: Microsatellite.
Coding change: c.674+4_674+7del on transcript NM_000397.4 (MANE Select); bases 4 to 7 of the intron after coding-DNA position 674, 4 bases deleted (AGTG; older notation c.674+4_674+7delAGTG).
Molecular consequence: splice donor variant.
Genome position (GRCh38, 1-based): chrX:37,796,145-37,796,148, AGTG deleted; deleting any 4 consecutive bases within chrX:37,796,139-37,796,148 gives the same sequence; the c. name uses the placement nearest the transcript's 3' end. VCF-style (leftmost placement, unchanged base first): chrX-37796138-CTGAG-C. GRCh37 (hg19) VCF-style: chrX-37655391-CTGAG-C.
Other names: c.674+4_674+7delAGTG (NM_000397.3).
Identifiers: ClinVar variation 372353 (VCV000372353.3), dbSNP rs1057517730, ClinGen allele CA16043262.